The following is an entry in ClinVar:

NM_005515.4(MNX1):c.325G>A (p.Gly109Arg)

Gene: MNX1 (motor neuron and pancreas homeobox 1; minus strand). Cytogenetic location: 7q36.3.
Variant type: single nucleotide variant.
Coding change: c.325G>A on transcript NM_005515.4 (MANE Select); coding-DNA position 325, G replaced by A.
Protein change: p.Gly109Arg; replaces glycine 109 with arginine.
Molecular consequence: missense variant.
Genome position (GRCh38, 1-based): chr7:157,010,026, C>T on the plus strand (G>A on the coding strand, the complement: MNX1 is on the minus strand). VCF-style: chr7-157010026-C-T. GRCh37 (hg19) VCF-style: chr7-156802720-C-T.
Other names: short protein forms G109R.
Identifiers: ClinVar variation 1918083 (VCV001918083.5), dbSNP rs1420609103, ClinGen allele CA370164792.

ClinVar aggregate classification (germline): Uncertain significance (1 of 4 stars; one submission).

Allele frequency attached by ClinVar (database versions not stated): gnomAD 0.00001; TOPMed 0.00002; gnomAD exomes 0.00005.
gnomAD v4.1: 40 of 995,698 alleles (0.004%); highest among the groups gnomAD compares: Non-Finnish European, 0.0046%; no homozygotes.

Submission:

Labcorp Genetics (formerly Invitae), Labcorp
Classification: Uncertain significance. Last evaluated: 2022-05-22. Review status: criteria provided, single submitter. Criteria: Invitae Variant Classification Sherloc (09022015). Collection method: clinical testing. Allele origin: germline.
Comment: In summary, the available evidence is currently insufficient to determine the role of this variant in disease. Therefore, it has been classified as a Variant of Uncertain Significance. Algorithms developed to predict the effect of missense changes on protein structure and function are either unavailable or do not agree on the potential impact of this missense change (SIFT: "Tolerated"; PolyPhen-2: "Not Available"; Align-GVGD: "Class C0"). This variant has not been reported in the literature in individuals affected with MNX1-related conditions. The frequency data for this variant in the population databases is considered unreliable, as metrics indicate insufficient coverage at this position in the gnomAD database. This sequence change replaces glycine, which is neutral and non-polar, with arginine, which is basic and polar, at codon 109 of the MNX1 protein (p.Gly109Arg).